The following is an entry in ClinVar:

ClinVar aggregate classification (germline): Conflicting classifications of pathogenicity. Review status: criteria provided, conflicting classifications (1 of 4 stars). 4 submissions from 4 submitters: Pathogenic (1); Likely pathogenic (2); Uncertain significance (1). Last evaluated 2024-05-08.

Conditions:
Mucopolysaccharidosis, MPS-III-A (MPS3A). Also called: HEPARAN SULFATE SULFATASE DEFICIENCY; SANFILIPPO SYNDROME A; SULFAMIDASE DEFICIENCY; MPS III A; MPS IIIA (Sanfilippo Syndrome Type A); Mucopolysaccharidosis type IIIA (Sanfilippo A). Identifiers: Orphanet 581, Orphanet 79269, MedGen C0086647, MONDO:0009655, OMIM 252900.

Submissions (4):

Fulgent Genetics
Classification: Likely pathogenic for Mucopolysaccharidosis, MPS-III-A. Last evaluated: 2024-05-08. Review status: criteria provided, single submitter. Criteria: ACMG Guidelines, 2015. Collection method: clinical testing. Allele origin: germline.

Labcorp Genetics (formerly Invitae), Labcorp
Classification: Pathogenic for Mucopolysaccharidosis, MPS-III-A. Last evaluated: 2023-11-27. Review status: criteria provided, single submitter. Criteria: Invitae Variant Classification Sherloc (09022015). Collection method: clinical testing. Allele origin: germline.
Comment: This sequence change replaces glycine, which is neutral and non-polar, with arginine, which is basic and polar, at codon 275 of the SGSH protein (p.Gly275Arg). This variant is not present in population databases (gnomAD no frequency). This missense change has been observed in individual(s) with mucopolysaccharidosis type III (PMID: 21204211). ClinVar contains an entry for this variant (Variation ID: 1494107). Advanced modeling of protein sequence and biophysical properties (such as structural, functional, and spatial information, amino acid conservation, physicochemical variation, residue mobility, and thermodynamic stability) performed at Invitae indicates that this missense variant is expected to disrupt SGSH protein function with a positive predictive value of 95%. For these reasons, this variant has been classified as Pathogenic.

Revvity Omics, Revvity
Classification: Uncertain significance for Mucopolysaccharidosis, MPS-III-A. Last evaluated: 2023-03-30. Review status: criteria provided, single submitter. Criteria: ACMG Guidelines, 2015. Collection method: clinical testing. Allele origin: germline.

GeneDx
Classification: Likely pathogenic. Last evaluated: 2023-03-22. Review status: criteria provided, single submitter. Criteria: GeneDx Variant Classification Process June 2021. Collection method: clinical testing. Allele origin: germline. Affected: yes.
Comment: In silico analysis supports that this missense variant has a deleterious effect on protein structure/function; Not observed at significant frequency in large population cohorts (gnomAD); This variant is associated with the following publications: (PMID: 25807448, 21204211, 35629088)

Literature cited by the submitters: PubMed 21204211 (cited by Labcorp Genetics (formerly Invitae), Labcorp).

NM_000199.5(SGSH):c.823G>A (p.Gly275Arg)

Gene: SGSH (N-sulfoglucosamine sulfohydrolase; minus strand). Cytogenetic location: 17q25.3.
Variant type: single nucleotide variant.
Coding change: c.823G>A on transcript NM_000199.5 (MANE Select); coding-DNA position 823, G replaced by A.
Protein change: p.Gly275Arg; replaces glycine 275 with arginine.
Molecular consequence: missense variant. On other transcripts: non-coding transcript variant (1).
Genome position (GRCh38, 1-based): chr17:80,212,197, C>T on the plus strand (G>A on the coding strand, the complement: SGSH is on the minus strand). VCF-style: chr17-80212197-C-T. GRCh37 (hg19) VCF-style: chr17-78185996-C-T.
Other names: c.823G>A (NM_000199.3); c.823G>A, p.Gly275Arg (NM_001352921.3, NM_001352922.2); short protein forms G275R.
Identifiers: ClinVar variation 1494107 (VCV001494107.14), dbSNP rs765361603, ClinGen allele CA401359915.